The following is an entry in ClinVar:

NM_000257.4(MYH7):c.1955G>A (p.Arg652Lys)

Gene: MYH7 (myosin heavy chain 7; minus strand). Cytogenetic location: 14q11.2.
Variant type: single nucleotide variant.
Coding change: c.1955G>A on transcript NM_000257.4 (MANE Select); coding-DNA position 1955, G replaced by A.
Protein change: p.Arg652Lys; replaces arginine 652 with lysine.
Molecular consequence: missense variant.
Genome position (GRCh38, 1-based): chr14:23,427,241, C>T on the plus strand (G>A on the coding strand, the complement: MYH7 is on the minus strand). VCF-style: chr14-23427241-C-T. GRCh37 (hg19) VCF-style: chr14-23896450-C-T.
Other names: c.1955G>A, p.Arg652Lys (NM_001407004.1); short protein forms R652K.
Identifiers: ClinVar variation 1783295 (VCV001783295.2), dbSNP rs2502294654, ClinGen allele CA389049461.

ClinVar aggregate classification (germline): Pathogenic (1 of 4 stars; one submission).

Conditions:
Cardiovascular phenotype. Identifiers: MedGen CN230736.

Submission:

Ambry Genetics
Classification: Pathogenic for Cardiovascular phenotype. Last evaluated: 2022-04-13. Review status: criteria provided, single submitter. Criteria: Ambry Variant Classification Scheme 2023. Collection method: clinical testing. Allele origin: germline.
Comment: The p.R652K pathogenic mutation (also known as c.1955G>A), located in coding exon 15 of the MYH7 gene, results from a G to A substitution at nucleotide position 1955. The arginine at codon 652 is replaced by lysine, an amino acid with highly similar properties. This alteration is located in the myosin head domain, which contains a statistically significant clustering of pathogenic missense variants (Homburger JR et al. Proc Natl Acad Sci U S A, 2016 06;113:6701-6; Walsh R et al. Genet Med, 2017 02;19:192-203; Ambry internal data). This variant has been detected in 8 reportedly unrelated families with hypertrophic cardiomyopathy and segregated with disease in several affected individuals (Alejandra Restrepo-Cordoba M et al. J Cardiovasc Transl Res, 2017 Feb;10:35-46; Antoniutti G et al. Genes (Basel), 2022 Feb;13). This variant is considered to be rare based on population cohorts in the Genome Aggregation Database (gnomAD). Based on the supporting evidence, this alteration is interpreted as a disease-causing mutation.

Literature cited by the submitters: PubMed 28138913; PubMed 35205365.